The following is an entry in ClinVar:

NM_198525.3(KIF7):c.3753G>A (p.Leu1251=)

Gene: KIF7 (kinesin family member 7; minus strand). Cytogenetic location: 15q26.1.
Variant type: single nucleotide variant.
Coding change: c.3753G>A on transcript NM_198525.3 (MANE Select); coding-DNA position 3753, G replaced by A.
Protein change: p.Leu1251=; no amino-acid change (leucine 1251 retained).
Molecular consequence: synonymous variant.
Genome position (GRCh38, 1-based): chr15:89,628,698, C>T on the plus strand (G>A on the coding strand, the complement: KIF7 is on the minus strand). VCF-style: chr15-89628698-C-T. GRCh37 (hg19) VCF-style: chr15-90171929-C-T.
Identifiers: ClinVar variation 729910 (VCV000729910.31), dbSNP rs140121479, ClinGen allele CA7727550.

ClinVar aggregate classification (germline): Likely benign. Review status: criteria provided, multiple submitters, no conflicts (2 of 4 stars). 3 submissions from 3 submitters: Likely benign (3). Last evaluated 2025-12-17.

Conditions:
Acrocallosal syndrome (ACLS). Also called: HALLUX DUPLICATION, POSTAXIAL POLYDACTYLY, AND ABSENCE OF CORPUS CALLOSUM; Schinzel syndrome 1; Absence of corpus callosum with unusual facial appearance, mental deficiency, duplication of the halluces and polydactyly. Identifiers: Orphanet 36, MedGen C0796147, MONDO:0008708, OMIM 200990.

Allele frequency attached by ClinVar (database versions not stated): gnomAD 0.00003; TOPMed 0.00007; ExAC 0.00014; ESP Exome Variant Server 0.00015.
gnomAD v4.1: 136 of 1,612,962 alleles (0.0084%); highest among the groups gnomAD compares: Non-Finnish European, 0.011%; no homozygotes.

Submissions (3):

Labcorp Genetics (formerly Invitae), Labcorp
Classification: Likely benign for Acrocallosal syndrome. Last evaluated: 2025-12-17. Review status: criteria provided, single submitter. Criteria: Invitae Variant Classification Sherloc (09022015). Collection method: clinical testing. Allele origin: germline.

Blueprint Genetics
Classification: Likely benign. Last evaluated: 2024-09-16. Review status: criteria provided, single submitter. Criteria: ACMG Guidelines, 2015. Collection method: clinical testing. Allele origin: germline.

CeGaT Center for Human Genetics Tuebingen
Classification: Likely benign. Last evaluated: 2023-08-01. Review status: criteria provided, single submitter. Criteria: CeGaT Center For Human Genetics Tuebingen Variant Classification Criteria Version 2. Collection method: clinical testing. Allele origin: germline. Affected: yes. Observed: 1 variant allele.
Comment: KIF7: BP4